The following is an entry in ClinVar:

ClinVar aggregate classification (germline): Likely benign (0 of 4 stars; one submission).

Conditions:
VCX3A-related disorder. Also called: VCX3A-related condition.

Submission:

PreventionGenetics, part of Exact Sciences
Classification: Likely benign for VCX3A-related condition. Last evaluated: 2021-03-31. Review status: no assertion criteria provided. Collection method: clinical testing. Allele origin: germline.
Comment: This variant is classified as likely benign based on ACMG/AMP sequence variant interpretation guidelines (Richards et al. 2015 PMID: 25741868, with internal and published modifications).

NM_016379.4(VCX3A):c.249G>A (p.Glu83=)

Genes: VCX3A (variable charge X-linked 3A; minus strand), LOC106029240 (S232-VCX3A recombination region; plus strand). Cytogenetic location: Xp22.31.
Variant type: single nucleotide variant.
Coding change: c.249G>A on transcript NM_016379.4 (MANE Select); coding-DNA position 249, G replaced by A.
Protein change: p.Glu83=; no amino-acid change (glutamic acid 83 retained).
Molecular consequence: synonymous variant.
Genome position (GRCh38, 1-based): chrX:6,534,057, C>T on the plus strand (G>A on the coding strand, the complement: VCX3A is on the minus strand). VCF-style: chrX-6534057-C-T. GRCh37 (hg19) VCF-style: chrX-6452098-C-T.
Identifiers: ClinVar variation 3030020 (VCV003030020.2), dbSNP rs1309574701, ClinGen allele CA515370708.